The following is an entry in ClinVar:

ClinVar aggregate classification (germline): Uncertain significance. Review status: criteria provided, multiple submitters, no conflicts (2 of 4 stars). 2 submissions from 2 submitters: Uncertain significance (2). Last evaluated 2024-02-06.

Allele frequency attached by ClinVar (database versions not stated): ExAC 0.00001; gnomAD 0.00001; TOPMed 0.00002.
gnomAD v4.1: 14 of 1,612,354 alleles (0.00087%); highest among the groups gnomAD compares: Admixed American, 0.015%; no homozygotes.

Submissions (2):

Ambry Genetics
Classification: Uncertain significance. Last evaluated: 2024-02-06. Review status: criteria provided, single submitter. Criteria: Ambry Variant Classification Scheme 2023. Collection method: clinical testing. Allele origin: germline.

Labcorp Genetics (formerly Invitae), Labcorp
Classification: Uncertain significance. Last evaluated: 2022-08-01. Review status: criteria provided, single submitter. Criteria: Invitae Variant Classification Sherloc (09022015). Collection method: clinical testing. Allele origin: germline.
Comment: This sequence change replaces asparagine, which is neutral and polar, with threonine, which is neutral and polar, at codon 156 of the SLC25A3 protein (p.Asn156Thr). In summary, the available evidence is currently insufficient to determine the role of this variant in disease. Therefore, it has been classified as a Variant of Uncertain Significance. Algorithms developed to predict the effect of missense changes on protein structure and function (SIFT, PolyPhen-2, Align-GVGD) all suggest that this variant is likely to be tolerated. This variant has not been reported in the literature in individuals affected with SLC25A3-related conditions. This variant is present in population databases (rs779670781, gnomAD 0.02%).

NM_002635.4(SLC25A3):c.464A>C (p.Asn155Thr)

Gene: SLC25A3 (solute carrier family 25 member 3; plus strand). Cytogenetic location: 12q23.1.
Variant type: single nucleotide variant.
Coding change: c.464A>C on transcript NM_002635.4 (MANE Select); coding-DNA position 464, A replaced by C.
Protein change: p.Asn155Thr; replaces asparagine 155 with threonine.
Molecular consequence: missense variant.
Genome position (GRCh38, 1-based): chr12:98,598,526, A>C. VCF-style: chr12-98598526-A-C. GRCh37 (hg19) VCF-style: chr12-98992304-A-C.
Other names: c.467A>C (NM_005888.3); c.467A>C, p.Asn156Thr (NM_005888.4); c.464A>C, p.Asn155Thr (NM_213611.3); short protein forms N156T, N155T.
Identifiers: ClinVar variation 2195371 (VCV002195371.5), dbSNP rs779670781, ClinGen allele CA6732986.